The following is an entry in ClinVar:

NM_001378418.1(TCF20):c.2415C>G (p.Asn805Lys)

Gene: TCF20 (transcription factor 20; minus strand). Cytogenetic location: 22q13.2.
Variant type: single nucleotide variant.
Coding change: c.2415C>G on transcript NM_001378418.1 (MANE Select); coding-DNA position 2415, C replaced by G.
Protein change: p.Asn805Lys; replaces asparagine 805 with lysine.
Molecular consequence: missense variant.
Genome position (GRCh38, 1-based): chr22:42,212,891, G>C on the plus strand (C>G on the coding strand, the complement: TCF20 is on the minus strand). VCF-style: chr22-42212891-G-C. GRCh37 (hg19) VCF-style: chr22-42608897-G-C.
Other names: c.2415C>G, p.Asn805Lys (NM_005650.4, NM_181492.3); short protein forms N805K.
Identifiers: ClinVar variation 3805048 (VCV003805048.2).
Genomic context (GRCh38, chr22:42,212,891, plus strand): 5'-GCTTGATTTCCTTTCCCAGGGGCCCCAGTGGGGATTTTCTAATAGAGACCCAATGCTTTT[G>C]TTCAGAAGGCCCCTGCTAGCTAATTCATTGGTTTGACTAACCAAGACATTGGGCCTTGTG-3'
Protein context (NP_001365347.1, residues 795-815): TNELASRGLL[Asn805Lys]KSIGSLLENP

ClinVar aggregate classification (germline): Uncertain significance. Review status: criteria provided, multiple submitters, no conflicts (2 of 4 stars). 2 submissions from 2 submitters: Uncertain significance (2). Last evaluated 2025-09-08.

Conditions:
Inborn genetic diseases. Identifiers: MedGen C0950123, MeSH D030342.

gnomAD v4.1: 6 of 1,614,008 alleles (0.00037%); highest among the groups gnomAD compares: African/African-American, 0.0013%; no homozygotes.

Submissions (2):

Labcorp Genetics (formerly Invitae), Labcorp
Classification: Uncertain significance. Last evaluated: 2025-09-08. Review status: criteria provided, single submitter. Criteria: Invitae Variant Classification Sherloc (09022015). Collection method: clinical testing. Allele origin: germline.
Comment: This sequence change replaces asparagine, which is neutral and polar, with lysine, which is basic and polar, at codon 805 of the TCF20 protein (p.Asn805Lys). This variant is present in population databases (no rsID available, gnomAD 0.007%). This variant has not been reported in the literature in individuals affected with TCF20-related conditions. ClinVar contains an entry for this variant (Variation ID: 3805048). An algorithm developed to predict the effect of missense changes on protein structure and function (PolyPhen-2) suggests that this variant is likely to be disruptive. In summary, the available evidence is currently insufficient to determine the role of this variant in disease. Therefore, it has been classified as a Variant of Uncertain Significance.

Ambry Genetics
Classification: Uncertain significance for Inborn genetic diseases. Last evaluated: 2025-02-26. Review status: criteria provided, single submitter. Criteria: Ambry Variant Classification Scheme 2023. Collection method: clinical testing. Allele origin: germline.